The following is an entry in ClinVar:

ClinVar aggregate classification (germline): Uncertain significance (1 of 4 stars; one submission).

Conditions:
Distal myopathy with posterior leg and anterior hand involvement. Also called: WILLIAMS DISTAL MYOPATHY. Identifiers: Orphanet 63273, MedGen C3279722, MONDO:0013550, OMIM 614065.
Hypertrophic cardiomyopathy 26. Also called: Cardiomyopathy, familial hypertrophic, 26. Identifiers: Orphanet 75249, MedGen C4310749, MONDO:0014883, OMIM 617047.
Myofibrillar myopathy 5. Also called: Filaminopathy (type); FILAMINOPATHY, AUTOSOMAL DOMINANT. Identifiers: Orphanet 171445, MedGen C1836050, MONDO:0012289, OMIM 609524.

Submission:

Labcorp Genetics (formerly Invitae), Labcorp
Classification: Uncertain significance for Distal myopathy with posterior leg and anterior hand involvement; Myofibrillar myopathy 5; Hypertrophic cardiomyopathy 26. Last evaluated: 2024-08-13. Review status: criteria provided, single submitter. Criteria: Invitae Variant Classification Sherloc (09022015). Collection method: clinical testing. Allele origin: germline.
Comment: This sequence change replaces isoleucine, which is neutral and non-polar, with methionine, which is neutral and non-polar, at codon 921 of the FLNC protein (p.Ile921Met). This variant is not present in population databases (gnomAD no frequency). This variant has not been reported in the literature in individuals affected with FLNC-related conditions. Advanced modeling of protein sequence and biophysical properties (such as structural, functional, and spatial information, amino acid conservation, physicochemical variation, residue mobility, and thermodynamic stability) has been performed at Invitae for this missense variant, however the output from this modeling did not meet the statistical confidence thresholds required to predict the impact of this variant on FLNC protein function. In summary, the available evidence is currently insufficient to determine the role of this variant in disease. Therefore, it has been classified as a Variant of Uncertain Significance.

NM_001458.5(FLNC):c.2763A>G (p.Ile921Met)

Gene: FLNC (filamin C; plus strand). Cytogenetic location: 7q32.1.
Variant type: single nucleotide variant.
Coding change: c.2763A>G on transcript NM_001458.5 (MANE Select); coding-DNA position 2763, A replaced by G.
Protein change: p.Ile921Met; replaces isoleucine 921 with methionine.
Molecular consequence: missense variant.
Genome position (GRCh38, 1-based): chr7:128,843,529, A>G. VCF-style: chr7-128843529-A-G. GRCh37 (hg19) VCF-style: chr7-128483583-A-G.
Other names: c.2763A>G, p.Ile921Met (NM_001127487.2); short protein forms I921M.
Identifiers: ClinVar variation 3757657 (VCV003757657.2).